The following is an entry in ClinVar:

ClinVar aggregate classification (germline): Uncertain significance (1 of 4 stars; one submission).

gnomAD v4.1: 1 of 1,613,782 alleles (0.000062%); no homozygotes.

Submission:

Labcorp Genetics (formerly Invitae), Labcorp
Classification: Uncertain significance. Last evaluated: 2022-01-12. Review status: criteria provided, single submitter. Criteria: Invitae Variant Classification Sherloc (09022015). Collection method: clinical testing. Allele origin: germline.
Comment: This sequence change replaces threonine, which is neutral and polar, with isoleucine, which is neutral and non-polar, at codon 867 of the ABCA4 protein (p.Thr867Ile). This variant is not present in population databases (gnomAD no frequency). This variant has not been reported in the literature in individuals affected with ABCA4-related conditions. Advanced modeling of protein sequence and biophysical properties (such as structural, functional, and spatial information, amino acid conservation, physicochemical variation, residue mobility, and thermodynamic stability) performed at Invitae indicates that this missense variant is not expected to disrupt ABCA4 protein function. In summary, the available evidence is currently insufficient to determine the role of this variant in disease. Therefore, it has been classified as a Variant of Uncertain Significance.

NM_000350.3(ABCA4):c.2600C>T (p.Thr867Ile)

Gene: ABCA4 (ATP binding cassette subfamily A member 4; minus strand). Cytogenetic location: 1p22.1.
Variant type: single nucleotide variant.
Coding change: c.2600C>T on transcript NM_000350.3 (MANE Select); coding-DNA position 2600, C replaced by T.
Protein change: p.Thr867Ile; replaces threonine 867 with isoleucine.
Molecular consequence: missense variant.
Genome position (GRCh38, 1-based): chr1:94,051,686, G>A on the plus strand (C>T on the coding strand, the complement: ABCA4 is on the minus strand). VCF-style: chr1-94051686-G-A. GRCh37 (hg19) VCF-style: chr1-94517242-G-A.
Other names: c.2378C>T, p.Thr793Ile (NM_001425324.1); short protein forms T867I, T793I.
Identifiers: ClinVar variation 1447378 (VCV001447378.6), dbSNP rs2101063430, ClinGen allele CA341276180.